The following is an entry in ClinVar:

ClinVar aggregate classification (germline): Uncertain significance. Review status: criteria provided, multiple submitters, no conflicts (2 of 4 stars). 2 submissions from 2 submitters: Uncertain significance (2). Last evaluated 2026-04-09.

Conditions:
Cardiovascular phenotype. Identifiers: MedGen CN230736.
Dilated cardiomyopathy 1Z (CMD1Z). Identifiers: Orphanet 154, MedGen C2678475, MONDO:0012745, OMIM 611879.
Hypertrophic cardiomyopathy 13. Also called: TNNC1-Related Familial Hypertrophic Cardiomyopathy. Identifiers: MedGen C2750472, MONDO:0013195, OMIM 613243.

Allele frequency attached by ClinVar (database versions not stated): TOPMed 0.00001.
gnomAD v4.1: 2 of 1,613,992 alleles (0.00012%); highest among the groups gnomAD compares: Admixed American, 0.0033%; no homozygotes.

Submissions (2):

Ambry Genetics
Classification: Uncertain significance for Cardiovascular phenotype. Last evaluated: 2026-04-09. Review status: criteria provided, single submitter. Criteria: Ambry Variant Classification Scheme 2023. Collection method: clinical testing. Allele origin: germline.
Comment: The p.D131E variant (also known as c.393C>A), located in coding exon 5 of the TNNC1 gene, results from a C to A substitution at nucleotide position 393. The aspartic acid at codon 131 is replaced by glutamic acid, an amino acid with highly similar properties. This amino acid position is conserved. In addition, this alteration is predicted to be tolerated by in silico analysis. Based on the available evidence, the clinical significance of this variant remains unclear.

Labcorp Genetics (formerly Invitae), Labcorp
Classification: Uncertain significance for Hypertrophic cardiomyopathy 13; Dilated cardiomyopathy 1Z. Last evaluated: 2021-07-13. Review status: criteria provided, single submitter. Criteria: Invitae Variant Classification Sherloc (09022015). Collection method: clinical testing. Allele origin: germline.
Comment: This sequence change replaces aspartic acid with glutamic acid at codon 131 of the TNNC1 protein (p.Asp131Glu). The aspartic acid residue is moderately conserved and there is a small physicochemical difference between aspartic acid and glutamic acid. This variant is not present in population databases (ExAC no frequency). This variant has not been reported in the literature in individuals with a TNNC1-related disease. Algorithms developed to predict the effect of missense changes on protein structure and function (SIFT, PolyPhen-2, Align-GVGD) all suggest that this variant is likely to be tolerated, but these predictions have not been confirmed by published functional studies and their clinical significance is uncertain. In summary, this variant has uncertain impact on TNNC1 function. The available evidence is currently insufficient to determine its role in disease. Therefore, it has been classified as a Variant of Uncertain Significance.

NM_003280.3(TNNC1):c.393C>A (p.Asp131Glu)

Gene: TNNC1 (troponin C1, slow skeletal and cardiac type; minus strand). Cytogenetic location: 3p21.1.
Variant type: single nucleotide variant.
Coding change: c.393C>A on transcript NM_003280.3 (MANE Select); coding-DNA position 393, C replaced by A.
Protein change: p.Asp131Glu; replaces aspartic acid 131 with glutamic acid.
Molecular consequence: missense variant.
Genome position (GRCh38, 1-based): chr3:52,451,452, G>T on the plus strand (C>A on the coding strand, the complement: TNNC1 is on the minus strand). VCF-style: chr3-52451452-G-T. GRCh37 (hg19) VCF-style: chr3-52485468-G-T.
Other names: c.393C>A (LRG_378t1); short protein forms D131E.
Identifiers: ClinVar variation 470557 (VCV000470557.6), dbSNP rs147821122, ClinGen allele CA353165477.